The following is an entry in ClinVar:

ClinVar aggregate classification (germline): Uncertain significance (1 of 4 stars; one submission).

Allele frequency attached by ClinVar (database versions not stated): gnomAD exomes 0.00001.
gnomAD v4.1: 10 of 1,199,973 alleles (0.00083%); highest among the groups gnomAD compares: Non-Finnish European, 0.0011%; no homozygotes.

Submission:

Labcorp Genetics (formerly Invitae), Labcorp
Classification: Uncertain significance. Last evaluated: 2023-10-27. Review status: criteria provided, single submitter. Criteria: Invitae Variant Classification Sherloc (09022015). Collection method: clinical testing. Allele origin: germline.
Comment: This sequence change replaces proline, which is neutral and non-polar, with serine, which is neutral and polar, at codon 817 of the DRP2 protein (p.Pro817Ser). The frequency data for this variant in the population databases is considered unreliable, as metrics indicate poor data quality at this position in the gnomAD database. This variant has not been reported in the literature in individuals affected with DRP2-related conditions. Advanced modeling of protein sequence and biophysical properties (such as structural, functional, and spatial information, amino acid conservation, physicochemical variation, residue mobility, and thermodynamic stability) performed at Invitae indicates that this missense variant is not expected to disrupt DRP2 protein function with a negative predictive value of 80%. In summary, the available evidence is currently insufficient to determine the role of this variant in disease. Therefore, it has been classified as a Variant of Uncertain Significance.

NM_001939.3(DRP2):c.2449C>T (p.Pro817Ser)

Gene: DRP2 (dystrophin related protein 2; plus strand). Cytogenetic location: Xq22.1.
Variant type: single nucleotide variant.
Coding change: c.2449C>T on transcript NM_001939.3 (MANE Select); coding-DNA position 2449, C replaced by T.
Protein change: p.Pro817Ser; replaces proline 817 with serine.
Molecular consequence: missense variant.
Genome position (GRCh38, 1-based): chrX:101,258,367, C>T. VCF-style: chrX-101258367-C-T. GRCh37 (hg19) VCF-style: chrX-100513356-C-T.
Other names: c.2215C>T, p.Pro739Ser (NM_001171184.2); short protein forms P739S, P817S.
Identifiers: ClinVar variation 2780435 (VCV002780435.3), dbSNP rs1268895242, ClinGen allele CA413909621.